The following is an entry in ClinVar:

NM_001211.6(BUB1B):c.2218T>G (p.Ser740Ala)

Gene: BUB1B (BUB1 mitotic checkpoint serine/threonine kinase B; plus strand). Cytogenetic location: 15q15.1.
Variant type: single nucleotide variant.
Coding change: c.2218T>G on transcript NM_001211.6 (MANE Select); coding-DNA position 2218, T replaced by G.
Protein change: p.Ser740Ala; replaces serine 740 with alanine.
Molecular consequence: missense variant.
Genome position (GRCh38, 1-based): chr15:40,209,709, T>G. VCF-style: chr15-40209709-T-G. GRCh37 (hg19) VCF-style: chr15-40501910-T-G.
Other names: short protein forms S740A.
Identifiers: ClinVar variation 1787872 (VCV001787872.3), dbSNP rs775317745, ClinGen allele CA7475988.

ClinVar aggregate classification (germline): Uncertain significance (1 of 4 stars; one submission).

Conditions:
Inborn genetic diseases. Identifiers: MedGen C0950123, MeSH D030342.

Allele frequency attached by ClinVar (database versions not stated): ExAC 0.00001; gnomAD 0.00001.
gnomAD v4.1: 1 of 1,614,062 alleles (0.000062%); highest among the groups gnomAD compares: Non-Finnish European, 0.000085%; no homozygotes.

Submission:

Ambry Genetics
Classification: Uncertain significance for Inborn genetic diseases. Last evaluated: 2025-07-18. Review status: criteria provided, single submitter. Criteria: Ambry Variant Classification Scheme 2023. Collection method: clinical testing. Allele origin: germline.
Comment: The p.S740A variant (also known as c.2218T>G), located in coding exon 17 of the BUB1B gene, results from a T to G substitution at nucleotide position 2218. The serine at codon 740 is replaced by alanine, an amino acid with similar properties. This amino acid position is conserved. In addition, this alteration is predicted to be tolerated by in silico analysis. Since supporting evidence is limited at this time, the clinical significance of this alteration remains unclear.